The following is an entry in ClinVar:

NM_015512.5(DNAH1):c.7147G>T (p.Gly2383Cys)

Gene: DNAH1 (dynein axonemal heavy chain 1; plus strand). Cytogenetic location: 3p21.1.
Variant type: single nucleotide variant.
Coding change: c.7147G>T on transcript NM_015512.5 (MANE Select); coding-DNA position 7147, G replaced by T.
Protein change: p.Gly2383Cys; replaces glycine 2383 with cysteine.
Molecular consequence: missense variant.
Genome position (GRCh38, 1-based): chr3:52,375,401, G>T. VCF-style: chr3-52375401-G-T. GRCh37 (hg19) VCF-style: chr3-52409417-G-T.
Other names: short protein forms G2383C.
Identifiers: ClinVar variation 2428561 (VCV002428561.4), dbSNP rs1472250735, ClinGen allele CA353172103.
Genomic context (GRCh38, chr3:52,375,401, plus strand): 5'-TACCTGTCTTTCGCTGAGATGGACGAGGTCAGCAAGAAACGCATCTTCTCCACCATCCTG[G>T]GCAACTGGTTGGGTGAGTATTGGTGGGGGTGAGCATGGACAAAGGCAGAAGCCCAGGCCA-3'
Protein context (NP_056327.4, residues 2373-2393): SKKRIFSTIL[Gly2383Cys]NWLDGLLGEK

ClinVar aggregate classification (germline): Uncertain significance. Review status: criteria provided, multiple submitters, no conflicts (2 of 4 stars). 2 submissions from 2 submitters: Uncertain significance (2). Last evaluated 2023-03-13.

Conditions:
Ciliary dyskinesia, primary, 37 (CILD37). Also called: CILIARY DYSKINESIA, PRIMARY, 37, WITH OR WITHOUT SITUS INVERSUS. Identifiers: MedGen C4539798, MONDO:0033204, OMIM 617577.
Spermatogenic failure 18. Identifiers: MedGen C4539783, MONDO:0054615, OMIM 617576.

Allele frequency attached by ClinVar (database versions not stated): TOPMed below 0.00001; gnomAD 0.00001.
gnomAD v4.1: 5 of 1,613,092 alleles (0.00031%); highest among the groups gnomAD compares: Admixed American, 0.005%; no homozygotes.

Submissions (2):

Labcorp Genetics (formerly Invitae), Labcorp
Classification: Uncertain significance for Ciliary dyskinesia, primary, 37; Spermatogenic failure 18. Last evaluated: 2023-03-13. Review status: criteria provided, single submitter. Criteria: Invitae Variant Classification Sherloc (09022015). Collection method: clinical testing. Allele origin: germline.
Comment: In summary, the available evidence is currently insufficient to determine the role of this variant in disease. Therefore, it has been classified as a Variant of Uncertain Significance. Advanced modeling of protein sequence and biophysical properties (such as structural, functional, and spatial information, amino acid conservation, physicochemical variation, residue mobility, and thermodynamic stability) performed at Invitae indicates that this missense variant is not expected to disrupt DNAH1 protein function. ClinVar contains an entry for this variant (Variation ID: 2428561). This variant has not been reported in the literature in individuals affected with DNAH1-related conditions. The frequency data for this variant in the population databases is considered unreliable, as metrics indicate poor data quality at this position in the gnomAD database. This sequence change replaces glycine, which is neutral and non-polar, with cysteine, which is neutral and slightly polar, at codon 2383 of the DNAH1 protein (p.Gly2383Cys).

ARUP Laboratories, Molecular Genetics and Genomics, ARUP Laboratories
Classification: Uncertain significance. Last evaluated: 2022-04-08. Review status: criteria provided, single submitter. Criteria: ARUP Molecular Germline Variant Investigation Process 2021. Collection method: clinical testing. Allele origin: germline.
Comment: The DNAH1 c.7147G>T; p.Gly2383Cys variant, to our knowledge, is not reported in the medical literature or gene specific databases. This variant is only observed on two alleles in the Genome Aggregation Database, indicating it is not a common polymorphism. The glycine at codon 2383 is highly conserved, but computational analyses predict that this variant is neutral (REVEL: 0.124). Due to limited information, the clinical significance of the this variant is uncertain at this time.